The following is an entry in ClinVar:

ClinVar aggregate classification (germline): Conflicting classifications of pathogenicity. Review status: criteria provided, conflicting classifications (1 of 4 stars). 2 submissions from 2 submitters: Uncertain significance (1); Likely benign (1). Last evaluated 2026-03-27.

Conditions:
Cardiovascular phenotype. Identifiers: MedGen CN230736.
Hereditary cancer-predisposing syndrome. Also called: Neoplastic Syndromes, Hereditary; Tumor predisposition; Hereditary Cancer Syndrome; Hereditary neoplastic syndrome. Identifiers: Orphanet 140162, MedGen C0027672, MeSH D009386, MONDO:0015356.

Submissions (2):

Ambry Genetics
Classification: Likely benign for Cardiovascular phenotype; Hereditary cancer-predisposing syndrome. Last evaluated: 2026-03-27. Review status: criteria provided, single submitter. Criteria: Ambry Variant Classification Scheme 2023. Collection method: clinical testing. Allele origin: germline.

Labcorp Genetics (formerly Invitae), Labcorp
Classification: Uncertain significance. Last evaluated: 2025-07-02. Review status: criteria provided, single submitter. Criteria: Invitae Variant Classification Sherloc (09022015). Collection method: clinical testing. Allele origin: germline.
Comment: This sequence change replaces valine, which is neutral and non-polar, with leucine, which is neutral and non-polar, at codon 645 of the LZTR1 protein (p.Val645Leu). This variant is not present in population databases (gnomAD no frequency). This variant has not been reported in the literature in individuals affected with LZTR1-related conditions. ClinVar contains an entry for this variant (Variation ID: 3238168). Invitae Evidence Modeling of protein sequence and biophysical properties (such as structural, functional, and spatial information, amino acid conservation, physicochemical variation, residue mobility, and thermodynamic stability) indicates that this missense variant is not expected to disrupt LZTR1 protein function with a negative predictive value of 80%. In summary, the available evidence is currently insufficient to determine the role of this variant in disease. Therefore, it has been classified as a Variant of Uncertain Significance.

NM_006767.4(LZTR1):c.1933G>C (p.Val645Leu)

Gene: LZTR1 (leucine zipper like post translational regulator 1; plus strand). Cytogenetic location: 22q11.21.
Variant type: single nucleotide variant.
Coding change: c.1933G>C on transcript NM_006767.4 (MANE Select); coding-DNA position 1933, G replaced by C.
Protein change: p.Val645Leu; replaces valine 645 with leucine.
Molecular consequence: missense variant.
Genome position (GRCh38, 1-based): chr22:20,995,017, G>C. VCF-style: chr22-20995017-G-C. GRCh37 (hg19) VCF-style: chr22-21349306-G-C.
Other names: short protein forms V645L.
Identifiers: ClinVar variation 3238168 (VCV003238168.3), dbSNP rs1414655830.